The following is an entry in ClinVar:

NM_153717.3(EVC):c.1136_1563+515del

Gene: EVC (EvC ciliary complex subunit 1; plus strand). Cytogenetic location: 4p16.2.
Variant type: Deletion.
Coding change: c.1136_1563+515del on transcript NM_153717.3 (MANE Select); coding-DNA position 1136 through 515 bases into the intron after coding-DNA position 1563, 4,005 bases deleted.
Molecular consequence: splice acceptor variant, splice donor variant.
Genome position (GRCh38, 1-based): chr4:5,752,873-5,756,877, 4,005 bases deleted. GRCh37 (hg19): chr4:5,754,600-5,758,604.
Other names: c.1136_1563+515del (NM_001306090.2, NM_001306092.2).
Identifiers: ClinVar variation 962078 (VCV000962078.2), ClinGen allele CA1139658416.

ClinVar aggregate classification (germline): Likely pathogenic (1 of 4 stars; one submission).

Conditions:
Ellis-van Creveld syndrome (EVC). Also called: EVC-Related Ellis-van Creveld Syndrome; EVC2-Related Ellis-van Creveld Syndrome; Chondroectodermal dysplasia; MESOECTODERMAL DYSPLASIA. Identifiers: Orphanet 289, MedGen C0013903, MONDO:0009162, OMIM 225500.
Curry-Hall syndrome (WAD). Also called: WEYERS ACRODENTAL DYSOSTOSIS. Identifiers: Orphanet 952, MedGen C0457013, MONDO:0008673, OMIM 193530.

Submission:

Labcorp Genetics (formerly Invitae), Labcorp
Classification: Likely pathogenic for Curry-Hall syndrome; Ellis-van Creveld syndrome. Last evaluated: 2019-08-15. Review status: criteria provided, single submitter. Criteria: Invitae Variant Classification Sherloc (09022015). Collection method: clinical testing. Allele origin: germline.
Comment: This variant results in the deletion of part of exon 9 and exons 10-11 (c.1136_1563+515del) of the EVC gene. It is expected to disrupt RNA splicing and likely results in an absent or disrupted protein product. This variant has not been reported in the literature in individuals with a EVC-related disease. Loss-of-function variants in EVC are known to be pathogenic (PMID: 23220543). In summary, the currently available evidence indicates that the variant is pathogenic, but additional data are needed to prove that conclusively. Therefore, this variant has been classified as Likely Pathogenic.